The following is an entry in ClinVar:

ClinVar aggregate classification (germline): Pathogenic. Review status: criteria provided, multiple submitters, no conflicts (2 of 4 stars). 2 submissions from 2 submitters: Pathogenic (2). Last evaluated 2025-02-12.

Conditions:
COL18A1-related disorder. Also called: COL18A1-related condition; COL18A1-related disorders.

Submissions (2):

Labcorp Genetics (formerly Invitae), Labcorp
Classification: Pathogenic. Last evaluated: 2025-02-12. Review status: criteria provided, single submitter. Criteria: Invitae Variant Classification Sherloc (09022015). Collection method: clinical testing. Allele origin: germline.
Comment: This sequence change creates a premature translational stop signal (p.Pro973Leufs*35) in the COL18A1 gene. It is expected to result in an absent or disrupted protein product. Loss-of-function variants in COL18A1 are known to be pathogenic (PMID: 12415512, 25456301). This variant is not present in population databases (gnomAD no frequency). This variant has not been reported in the literature in individuals affected with COL18A1-related conditions. ClinVar contains an entry for this variant (Variation ID: 2088270). For these reasons, this variant has been classified as Pathogenic.

Blueprint Genetics
Classification: Pathogenic for COL18A1-related disorders. Last evaluated: 2021-09-13. Review status: criteria provided, single submitter. Criteria: ACMG Guidelines, 2015. Collection method: clinical testing. Allele origin: germline. Affected: yes. Observed: 1 variant allele.

Literature cited by the submitters: PubMed 12415512 (cited by Labcorp Genetics (formerly Invitae), Labcorp); PubMed 25456301 (cited by Labcorp Genetics (formerly Invitae), Labcorp).

NM_001379500.1(COL18A1):c.2927_2987del (p.Pro976fs)

Genes: COL18A1 (collagen type XVIII alpha 1 chain; plus strand), SLC19A1 (solute carrier family 19 member 1; minus strand). Cytogenetic location: 21q22.3.
Variant type: Deletion.
Coding change: c.2927_2987del on transcript NM_001379500.1 (MANE Select); coding-DNA positions 2927 to 2987, 61 bases deleted.
Protein change: p.Pro976fs; shifts the reading frame from proline 976.
Molecular consequence: frameshift variant.
Genome position (GRCh38, 1-based): chr21:45,505,192-45,505,252, 61 bases deleted. GRCh37 (hg19): chr21:46,925,106-46,925,166.
Other names: c.3458_3518del, p.Pro1153fs (NM_030582.4); c.4163_4223del, p.Pro1388fs (NM_130444.3); short protein forms P976fs, P1153fs, P1388fs.
Identifiers: ClinVar variation 2088270 (VCV002088270.5), dbSNP rs2517791318, ClinGen allele CA2580098853.